The following is an entry in ClinVar:

NM_001370466.1(NOD2):c.2237G>A (p.Ser746Asn)

Gene: NOD2 (nucleotide binding oligomerization domain containing 2; plus strand). Cytogenetic location: 16q12.1.
Variant type: single nucleotide variant.
Coding change: c.2237G>A on transcript NM_001370466.1 (MANE Select); coding-DNA position 2237, G replaced by A.
Protein change: p.Ser746Asn; replaces serine 746 with asparagine.
Molecular consequence: missense variant. On other transcripts: non-coding transcript variant (1).
Genome position (GRCh38, 1-based): chr16:50,712,229, G>A. VCF-style: chr16-50712229-G-A. GRCh37 (hg19) VCF-style: chr16-50746140-G-A.
Other names: c.2237G>A, p.Ser746Asn (NM_001293557.2); c.2318G>A, p.Ser773Asn (NM_022162.3); short protein forms S746N, S773N.
Identifiers: ClinVar variation 2922766 (VCV002922766.3), dbSNP rs753779656, ClinGen allele CA281264342.
Genomic context (GRCh38, chr16:50,712,229, plus strand): 5'-GGCTGGCTCGGAAGGCTGCACGTGGCCTGAATGTTGGGCACCTCAAGTTGACATTTTGCA[G>A]TGTGGGCCCCACTGAGTGTGCTGCCCTGGCCTTTGTGCTGCAGCACCTCCGGCGGCCCGT-3'
Protein context (NP_001357395.1, residues 736-756): NVGHLKLTFC[Ser746Asn]VGPTECAALA

ClinVar aggregate classification (germline): Uncertain significance (1 of 4 stars; one submission).

Conditions:
Blau syndrome (BLAUS). Also called: GRANULOMATOSIS, FAMILIAL JUVENILE SYSTEMIC; GRANULOMATOSIS, FAMILIAL, BLAU TYPE; GRANULOMATOUS INFLAMMATORY ARTHRITIS, DERMATITIS, AND UVEITIS, FAMILIAL; JABS SYNDROME; ARTHROCUTANEOUVEAL GRANULOMATOSIS. Identifiers: Orphanet 90340, MedGen C5201146, MONDO:0008523, OMIM 186580.
Regional enteritis. Also called: Enteritis, Granulomatous. Identifiers: MedGen C0678202, MeSH D003424.

Allele frequency attached by ClinVar (database versions not stated): TOPMed below 0.00001; gnomAD exomes 0.00003.

Submission:

Labcorp Genetics (formerly Invitae), Labcorp
Classification: Uncertain significance for Regional enteritis; Blau syndrome. Last evaluated: 2025-10-23. Review status: criteria provided, single submitter. Criteria: Invitae Variant Classification Sherloc (09022015). Collection method: clinical testing. Allele origin: germline.
Comment: This sequence change replaces serine, which is neutral and polar, with asparagine, which is neutral and polar, at codon 773 of the NOD2 protein (p.Ser773Asn). This variant is present in population databases (rs753779656, gnomAD 0.002%). This variant has not been reported in the literature in individuals affected with NOD2-related conditions. ClinVar contains an entry for this variant (Variation ID: 2922766). Invitae Evidence Modeling of protein sequence and biophysical properties (such as structural, functional, and spatial information, amino acid conservation, physicochemical variation, residue mobility, and thermodynamic stability) indicates that this missense variant is not expected to disrupt NOD2 protein function with a negative predictive value of 95%. In summary, the available evidence is currently insufficient to determine the role of this variant in disease. Therefore, it has been classified as a Variant of Uncertain Significance.